The following is an entry in ClinVar:

ClinVar aggregate classification (germline): Uncertain significance. Review status: criteria provided, multiple submitters, no conflicts (2 of 4 stars). 2 submissions from 2 submitters: Uncertain significance (2). Last evaluated 2026-03-19.

Conditions:
Inborn genetic diseases. Identifiers: MedGen C0950123, MeSH D030342.

Allele frequency attached by ClinVar (database versions not stated): gnomAD exomes 0.00001; TOPMed 0.00001; gnomAD 0.00001.
gnomAD v4.1: 22 of 1,613,438 alleles (0.0014%); highest among the groups gnomAD compares: Non-Finnish European, 0.0018%; no homozygotes.

Submissions (2):

Ambry Genetics
Classification: Uncertain significance for Inborn genetic diseases. Last evaluated: 2026-03-19. Review status: criteria provided, single submitter. Criteria: Ambry Variant Classification Scheme 2023. Collection method: clinical testing. Allele origin: germline.

Labcorp Genetics (formerly Invitae), Labcorp
Classification: Uncertain significance. Last evaluated: 2024-01-31. Review status: criteria provided, single submitter. Criteria: Invitae Variant Classification Sherloc (09022015). Collection method: clinical testing. Allele origin: germline.
Comment: This sequence change replaces serine, which is neutral and polar, with proline, which is neutral and non-polar, at codon 794 of the MED12L protein (p.Ser794Pro). This variant is not present in population databases (gnomAD no frequency). This variant has not been reported in the literature in individuals affected with MED12L-related conditions. ClinVar contains an entry for this variant (Variation ID: 2096333). Advanced modeling of protein sequence and biophysical properties (such as structural, functional, and spatial information, amino acid conservation, physicochemical variation, residue mobility, and thermodynamic stability) performed at Invitae indicates that this missense variant is not expected to disrupt MED12L protein function with a negative predictive value of 80%. In summary, the available evidence is currently insufficient to determine the role of this variant in disease. Therefore, it has been classified as a Variant of Uncertain Significance.

NM_001393769.1(MED12L):c.2485T>C (p.Ser829Pro)

Genes: MED12L (mediator complex subunit 12L; plus strand), P2RY12 (purinergic receptor P2Y12; minus strand). Cytogenetic location: 3q25.1.
Variant type: single nucleotide variant.
Coding change: c.2485T>C on transcript NM_001393769.1 (MANE Select); coding-DNA position 2485, T replaced by C.
Protein change: p.Ser829Pro; replaces serine 829 with proline.
Molecular consequence: missense variant. On other transcripts: intron variant (1).
Genome position (GRCh38, 1-based): chr3:151,355,207, T>C. VCF-style: chr3-151355207-T-C. GRCh37 (hg19) VCF-style: chr3-151072995-T-C.
Other names: c.2380T>C (NM_053002.4); c.2380T>C, p.Ser794Pro (NM_053002.6); c.-179-14447A>G (NM_022788.5); short protein forms S829P, S794P.
Identifiers: ClinVar variation 2096333 (VCV002096333.5), dbSNP rs1473421066, ClinGen allele CA354990007.